The following is an entry in ClinVar:

ClinVar aggregate classification (germline): Conflicting classifications of pathogenicity. Review status: criteria provided, conflicting classifications (1 of 4 stars). 3 submissions from 3 submitters: Likely pathogenic (1); Uncertain significance (2). Last evaluated 2026-03-25.

Conditions:
Dopa-responsive dystonia due to sepiapterin reductase deficiency. Also called: DYT-SPR; SPR DEFICIENCY; Sepiapterin reductase deficiency. Identifiers: Orphanet 70594, MedGen C0268468, MONDO:0012994, OMIM 612716.
Dystonic disorder. Also called: Dystonia. Identifiers: MedGen C0013421, MONDO:0003441, HP:0001332.

Allele frequency attached by ClinVar (database versions not stated): gnomAD exomes below 0.00001.
gnomAD v4.1: 5 of 1,614,202 alleles (0.00031%); highest among the groups gnomAD compares: Non-Finnish European, 0.00042%; no homozygotes.

Submissions (3):

Women's Health and Genetics/Laboratory Corporation of America, LabCorp
Classification: Uncertain significance. Last evaluated: 2026-03-25. Review status: criteria provided, single submitter. Criteria: LabCorp Variant Classification Summary - May 2015. Collection method: clinical testing. Allele origin: germline.
Comment: Variant summary: SPR c.381C>G (p.Asn127Lys) results in a non-conservative amino acid change in the encoded protein sequence. Algorithms developed to predict the effect of missense changes on protein structure and function all suggest that this variant is likely to be disruptive. The variant was absent in 251390 control chromosomes (gnomAD). c.381C>G has been observed in individuals affected with Sepiapterin Reductase Deficiency or Idiopathic scoliosis (Kusmierska_2009, Friedman_2012, Horbacz_2025). These data indicate that the variant may be associated with disease. To our knowledge, no experimental evidence demonstrating an impact on protein function has been reported. The following publications have been ascertained in the context of this evaluation (PMID: 22522443, 41210864, 19130291). ClinVar contains an entry for this variant (Variation ID: 664157). Based on the evidence outlined above, the variant was classified as VUS-possibly pathogenic.

Labcorp Genetics (formerly Invitae), Labcorp
Classification: Uncertain significance for Dystonic disorder. Last evaluated: 2024-03-11. Review status: criteria provided, single submitter. Criteria: Invitae Variant Classification Sherloc (09022015). Collection method: clinical testing. Allele origin: germline.
Comment: This sequence change replaces asparagine, which is neutral and polar, with lysine, which is basic and polar, at codon 127 of the SPR protein (p.Asn127Lys). This variant is not present in population databases (gnomAD no frequency). This missense change has been observed in individual(s) with sepiapterin reductase deficiency (PMID: 19130291). ClinVar contains an entry for this variant (Variation ID: 664157). Advanced modeling of protein sequence and biophysical properties (such as structural, functional, and spatial information, amino acid conservation, physicochemical variation, residue mobility, and thermodynamic stability) performed at Invitae indicates that this missense variant is expected to disrupt SPR protein function with a positive predictive value of 80%. In summary, the available evidence is currently insufficient to determine the role of this variant in disease. Therefore, it has been classified as a Variant of Uncertain Significance.

Institute of Human Genetics Munich, TUM University Hospital
Classification: Likely pathogenic for Dopa-responsive dystonia due to sepiapterin reductase deficiency. Last evaluated: 2022-05-13. Review status: criteria provided, single submitter. Criteria: Classification criteria August 2017. Collection method: clinical testing. Allele origin: inherited. Inheritance: Autosomal recessive inheritance. Affected: yes. Observed: 1 variant allele.

Literature cited by the submitters: PubMed 22522443 (cited by Women's Health and Genetics/Laboratory Corporation of America, LabCorp); PubMed 41210864 (cited by Women's Health and Genetics/Laboratory Corporation of America, LabCorp); PubMed 19130291 (cited by Women's Health and Genetics/Laboratory Corporation of America, LabCorp and Labcorp Genetics (formerly Invitae), Labcorp).

NM_003124.5(SPR):c.381C>G (p.Asn127Lys)

Gene: SPR (sepiapterin reductase; plus strand). Cytogenetic location: 2p13.2.
Variant type: single nucleotide variant.
Coding change: c.381C>G on transcript NM_003124.5 (MANE Select); coding-DNA position 381, C replaced by G.
Protein change: p.Asn127Lys; replaces asparagine 127 with lysine.
Molecular consequence: missense variant.
Genome position (GRCh38, 1-based): chr2:72,888,390, C>G. VCF-style: chr2-72888390-C-G. GRCh37 (hg19) VCF-style: chr2-73115519-C-G.
Other names: short protein forms N127K.
Identifiers: ClinVar variation 664157 (VCV000664157.8), dbSNP rs1366748724, ClinGen allele CA347231492.
Genomic context (GRCh38, chr2:72,888,390, plus strand): 5'-GTCCAAAGGCTTCGTGGACCTGAGTGACTCCACTCAAGTGAACAACTACTGGGCACTGAA[C>G]TTGACCTCCATGCTCTGCCTGACTTCCAGCGTCCTGAAGGCCTTCCCGGACAGTCCTGGC-3'
Protein context (NP_003115.1, residues 117-137): STQVNNYWAL[Asn127Lys]LTSMLCLTSS